The following is an entry in ClinVar:

NM_000489.6(ATRX):c.1235A>G (p.Asp412Gly)

Gene: ATRX (ATRX chromatin remodeler; minus strand). Cytogenetic location: Xq21.1.
Variant type: single nucleotide variant.
Coding change: c.1235A>G on transcript NM_000489.6 (MANE Select); coding-DNA position 1235, A replaced by G.
Protein change: p.Asp412Gly; replaces aspartic acid 412 with glycine.
Molecular consequence: missense variant.
Genome position (GRCh38, 1-based): chrX:77,684,021, T>C on the plus strand (A>G on the coding strand, the complement: ATRX is on the minus strand). VCF-style: chrX-77684021-T-C. GRCh37 (hg19) VCF-style: chrX-76939513-T-C.
Other names: c.1121A>G, p.Asp374Gly (NM_138270.5); short protein forms D374G, D412G.
Identifiers: ClinVar variation 1954539 (VCV001954539.2), dbSNP rs2148627580, ClinGen allele CA413718965.

ClinVar aggregate classification (germline): Uncertain significance (1 of 4 stars; one submission).

Conditions:
Alpha thalassemia-X-linked intellectual disability syndrome (ATRX). Also called: ALPHA-THALASSEMIA/MENTAL RETARDATION SYNDROME, X-LINKED; ATR, NONDELETION TYPE; ATR-X syndrome; Alpha thalassemia mental retardation syndrome, nondeletion type, X-linked; XLMR hypotonic face syndrome; X-linked alpha-thalassemia-mental retardation syndrome. Identifiers: Orphanet 847, MedGen C1845055, MONDO:0010519, OMIM 301040.

Allele frequency attached by ClinVar (database versions not stated): gnomAD exomes below 0.00001.
gnomAD v4.1: 6 of 1,206,876 alleles (0.0005%); highest among the groups gnomAD compares: Middle Eastern, 0.023%; no homozygotes.

Submission:

Labcorp Genetics (formerly Invitae), Labcorp
Classification: Uncertain significance for Alpha thalassemia-X-linked intellectual disability syndrome. Last evaluated: 2022-01-03. Review status: criteria provided, single submitter. Criteria: Invitae Variant Classification Sherloc (09022015). Collection method: clinical testing. Allele origin: germline.
Comment: This sequence change replaces aspartic acid, which is acidic and polar, with glycine, which is neutral and non-polar, at codon 412 of the ATRX protein (p.Asp412Gly). This variant is not present in population databases (gnomAD no frequency). This variant has not been reported in the literature in individuals affected with ATRX-related conditions. Advanced modeling of protein sequence and biophysical properties (such as structural, functional, and spatial information, amino acid conservation, physicochemical variation, residue mobility, and thermodynamic stability) performed at Invitae indicates that this missense variant is not expected to disrupt ATRX protein function. In summary, the available evidence is currently insufficient to determine the role of this variant in disease. Therefore, it has been classified as a Variant of Uncertain Significance.